The following is an entry in ClinVar:

NM_000235.4(LIPA):c.1103G>A (p.Ser368Asn)

Gene: LIPA (lipase A, lysosomal acid type; minus strand). Cytogenetic location: 10q23.31.
Variant type: single nucleotide variant.
Coding change: c.1103G>A on transcript NM_000235.4 (MANE Select); coding-DNA position 1103, G replaced by A.
Protein change: p.Ser368Asn; replaces serine 368 with asparagine.
Molecular consequence: missense variant.
Genome position (GRCh38, 1-based): chr10:89,214,925, C>T on the plus strand (G>A on the coding strand, the complement: LIPA is on the minus strand). VCF-style: chr10-89214925-C-T. GRCh37 (hg19) VCF-style: chr10-90974682-C-T.
Other names: c.1103G>A, p.Ser368Asn (NM_001127605.3); c.755G>A, p.Ser252Asn (NM_001288979.2); short protein forms S252N, S368N.
Identifiers: ClinVar variation 1793074 (VCV001793074.2), dbSNP rs145396957, ClinGen allele CA211360613.

ClinVar aggregate classification (germline): Uncertain significance (1 of 4 stars; one submission).

Conditions:
Cardiovascular phenotype. Identifiers: MedGen CN230736.

Allele frequency attached by ClinVar (database versions not stated): TOPMed 0.00007; ESP Exome Variant Server 0.00008; gnomAD 0.00011.
gnomAD v4.1: 52 of 1,613,944 alleles (0.0032%); highest among the groups gnomAD compares: Admixed American, 0.033%; no homozygotes.

Submission:

Ambry Genetics
Classification: Uncertain significance for Cardiovascular phenotype. Last evaluated: 2021-10-07. Review status: criteria provided, single submitter. Criteria: Ambry Variant Classification Scheme 2023. Collection method: clinical testing. Allele origin: germline.
Comment: The p.S368N variant (also known as c.1103G>A), located in coding exon 9 of the LIPA gene, results from a G to A substitution at nucleotide position 1103. The serine at codon 368 is replaced by asparagine, an amino acid with highly similar properties. This amino acid position is conserved. In addition, this alteration is predicted to be tolerated by in silico analysis. Since supporting evidence is limited at this time, the clinical significance of this alteration remains unclear.